The following is an entry in ClinVar:

ClinVar aggregate classification (germline): Conflicting classifications of pathogenicity. Review status: criteria provided, conflicting classifications (1 of 4 stars). 2 submissions from 2 submitters: Uncertain significance (1); Likely benign (1). Last evaluated 2025-06-12.

Allele frequency attached by ClinVar (database versions not stated): gnomAD exomes 0.00002; TOPMed 0.00006; ExAC 0.00001; gnomAD 0.00006 and 0.00005.

Submissions (2):

Labcorp Genetics (formerly Invitae), Labcorp
Classification: Likely benign. Last evaluated: 2025-06-12. Review status: criteria provided, single submitter. Criteria: Invitae Variant Classification Sherloc (09022015). Collection method: clinical testing. Allele origin: germline.

Center for Genomics, Ann and Robert H. Lurie Children's Hospital of Chicago
Classification: Uncertain significance. Last evaluated: 2021-03-30. Review status: criteria provided, single submitter. Criteria: ACMG Guidelines, 2015. Collection method: clinical testing. Allele origin: germline.
Comment: CRKL NM_005207 exon 3 p.Asn280Asn (c.840C>T): This variant has not been reported in the literature but is present in 4/23952 African alleles in the Genome Aggregation Database. Evolutionary conservation and computational predictive tools for this variant are limited or unavailable. Of note, this variant is a silent variant and does not change the amino acid, reducing the probability that this variant is disease causing. In summary, data on this variant is insufficient for disease classification. Therefore, the clinical significance of this variant is uncertain.

NM_005207.4(CRKL):c.840C>T (p.Asn280=)

Gene: CRKL (CRK like proto-oncogene, adaptor protein; plus strand). Cytogenetic location: 22q11.21.
Variant type: single nucleotide variant.
Coding change: c.840C>T on transcript NM_005207.4 (MANE Select); coding-DNA position 840, C replaced by T.
Protein change: p.Asn280=; no amino-acid change (asparagine 280 retained).
Molecular consequence: synonymous variant. On other transcripts: non-coding transcript variant (1).
Genome position (GRCh38, 1-based): chr22:20,949,773, C>T. VCF-style: chr22-20949773-C-T. GRCh37 (hg19) VCF-style: chr22-21304061-C-T.
Identifiers: ClinVar variation 626092 (VCV000626092.5), dbSNP rs769606385, ClinGen allele CA10117418.